The following is an entry in ClinVar:

ClinVar aggregate classification (germline): Uncertain significance. Review status: criteria provided, multiple submitters, no conflicts (2 of 4 stars). 2 submissions from 2 submitters: Uncertain significance (2). Last evaluated 2024-11-06.

Conditions:
Familial focal epilepsy with variable foci (FPEVF). Identifiers: Orphanet 98820, MedGen C1858477, MONDO:0020310.
Inborn genetic diseases. Identifiers: MedGen C0950123, MeSH D030342.

Allele frequency attached by ClinVar (database versions not stated): gnomAD exomes 0.00001 and 0.00002; gnomAD 0.00001; TOPMed 0.00002; ExAC 0.00002.
gnomAD v4.1: 9 of 1,612,240 alleles (0.00056%); highest among the groups gnomAD compares: African/African-American, 0.004%; no homozygotes.

Submissions (2):

Labcorp Genetics (formerly Invitae), Labcorp
Classification: Uncertain significance for Familial focal epilepsy with variable foci. Last evaluated: 2024-11-06. Review status: criteria provided, single submitter. Criteria: Invitae Variant Classification Sherloc (09022015). Collection method: clinical testing. Allele origin: germline.
Comment: This sequence change replaces alanine, which is neutral and non-polar, with valine, which is neutral and non-polar, at codon 1068 of the DEPDC5 protein (p.Ala1068Val). This variant is present in population databases (rs763883192, gnomAD 0.007%). This variant has not been reported in the literature in individuals affected with DEPDC5-related conditions. ClinVar contains an entry for this variant (Variation ID: 859688). Experimental studies and prediction algorithms are not available or were not evaluated, and the functional significance of this variant is currently unknown. In summary, the available evidence is currently insufficient to determine the role of this variant in disease. Therefore, it has been classified as a Variant of Uncertain Significance.

Ambry Genetics
Classification: Uncertain significance for Inborn genetic diseases. Last evaluated: 2024-07-16. Review status: criteria provided, single submitter. Criteria: Ambry Variant Classification Scheme 2023. Collection method: clinical testing. Allele origin: germline.

NM_001242896.3(DEPDC5):c.3203C>T (p.Ala1068Val)

Gene: DEPDC5 (DEP domain containing 5, GATOR1 subcomplex subunit; plus strand). Cytogenetic location: 22q12.3.
Variant type: single nucleotide variant.
Coding change: c.3203C>T on transcript NM_001242896.3 (MANE Select); coding-DNA position 3203, C replaced by T.
Protein change: p.Ala1068Val; replaces alanine 1068 with valine.
Molecular consequence: missense variant. On other transcripts: non-coding transcript variant (5).
Genome position (GRCh38, 1-based): chr22:31,857,492, C>T. VCF-style: chr22-31857492-C-T. GRCh37 (hg19) VCF-style: chr22-32253478-C-T.
Other names: c.3176C>T, p.Ala1059Val (NM_001136029.4, NM_001369903.1, NM_014662.6); c.2969C>T, p.Ala990Val (NM_001242897.2, NM_001363854.2, NM_001364319.2); c.3203C>T, p.Ala1068Val (NM_001363852.2, NM_001364318.2, NM_001364320.2); c.3119C>T, p.Ala1040Val (NM_001369901.1, NM_001369902.1); short protein forms A1040V, A1059V, A1068V, A990V.
Identifiers: ClinVar variation 859688 (VCV000859688.8), dbSNP rs763883192, ClinGen allele CA10196901.